The following is an entry in ClinVar:

ClinVar aggregate classification (germline): no classifications from unflagged records (0 of 4 stars; one submission).

Conditions:
Susceptibility to respiratory infections associated with CD8alpha chain mutation (IMD116). Also called: IMMUNODEFICIENCY 116; Cd8 deficiency, familial. Identifiers: Orphanet 169085, MedGen C1837065, MONDO:0012161, OMIM 608957.

Submission:

Fulgent Genetics
Classification: Likely pathogenic for Susceptibility to respiratory infections associated with CD8alpha chain mutation. Last evaluated: 2024-05-10. Review status: flagged submission. Criteria: ACMG Guidelines, 2015. Collection method: clinical testing. Allele origin: germline.
ClinVar note: Notes: Flagging candidate with reason of insufficient supporting evidence. This gene has been classified as having a limited gene-disease relationship by a ClinGen Expert Panel.
ClinVar note: Reason: P/LP classification for a variant in a gene with insufficient evidence for a gene-disease relationship

NM_001768.7(CD8A):c.129C>A (p.Cys43Ter)

Gene: CD8A (CD8 subunit alpha; minus strand). Cytogenetic location: 2p11.2.
Variant type: single nucleotide variant.
Coding change: c.129C>A on transcript NM_001768.7 (MANE Select); coding-DNA position 129, C replaced by A.
Protein change: p.Cys43Ter; replaces cysteine 43 with a stop codon.
Molecular consequence: nonsense. On other transcripts: non-coding transcript variant (3).
Genome position (GRCh38, 1-based): chr2:86,790,602, G>T on the plus strand (C>A on the coding strand, the complement: CD8A is on the minus strand). VCF-style: chr2-86790602-G-T. GRCh37 (hg19) VCF-style: chr2-87017725-G-T.
Other names: c.129C>A, p.Cys43Ter (NM_001145873.1, NM_001382698.1, NM_171827.4); short protein forms C43*.
Identifiers: ClinVar variation 3586946 (VCV003586946.1).
Genomic context (GRCh38, chr2:86,790,602, plus strand): 5'-GGCGCCGCGCGGCTGGAAGAGCCACGAGCAGCCCGACGTCGGGTTGGACAGCAGCACCTG[G>T]CACTTCAGCTCCACTGTCTCGCCCAGGTTCCAGGTCCGATCCAGCGGCGACACCCGGAAC-3'